The following is an entry in ClinVar:

NM_004260.4(RECQL4):c.1205C>T (p.Ser402Phe)

Gene: RECQL4 (RecQ like helicase 4; minus strand). Cytogenetic location: 8q24.3.
Variant type: single nucleotide variant.
Coding change: c.1205C>T on transcript NM_004260.4 (MANE Select); coding-DNA position 1205, C replaced by T.
Protein change: p.Ser402Phe; replaces serine 402 with phenylalanine.
Molecular consequence: missense variant. On other transcripts: synonymous variant (5), non-coding transcript variant (3), intron variant (1).
Genome position (GRCh38, 1-based): chr8:144,515,817, G>A on the plus strand (C>T on the coding strand, the complement: RECQL4 is on the minus strand). VCF-style: chr8-144515817-G-A. GRCh37 (hg19) VCF-style: chr8-145741201-G-A.
Other names: c.1109C>T, p.Ser370Phe (NM_001413017.1, NM_001413020.1); c.1205C>T, p.Ser402Phe (NM_001413018.1, NM_001413019.1, NM_001413033.1 and 2 more transcripts); c.134C>T, p.Ser45Phe (NM_001413021.1, NM_001413022.1, NM_001413023.1 and 8 more transcripts); c.1076C>T, p.Ser359Phe (NM_001413025.1); c.72C>T, p.Val24= (NM_001413027.1, NM_001413030.1, NM_001413031.1 and 2 more transcripts); c.854C>T, p.Ser285Phe (NM_001413029.1); c.-210+171C>T (NM_001413043.1); short protein forms S359F, S285F, S402F, S370F, S45F.
Identifiers: ClinVar variation 4841571 (VCV004841571.1).

ClinVar aggregate classification (germline): Uncertain significance (1 of 4 stars; one submission).

Conditions:
Inborn genetic diseases. Identifiers: MedGen C0950123, MeSH D030342.

Submission:

Ambry Genetics
Classification: Uncertain significance for Inborn genetic diseases. Last evaluated: 2026-01-04. Review status: criteria provided, single submitter. Criteria: Ambry Variant Classification Scheme 2023. Collection method: clinical testing. Allele origin: germline.
Comment: The p.S402F variant (also known as c.1205C>T), located in coding exon 6 of the RECQL4 gene, results from a C to T substitution at nucleotide position 1205. The serine at codon 402 is replaced by phenylalanine, an amino acid with highly dissimilar properties. This amino acid position is conserved. In addition, this alteration is predicted to be tolerated by in silico analysis. Based on the available evidence, the clinical significance of this variant remains unclear.